The following is an entry in ClinVar:

ClinVar aggregate classification (germline): Uncertain significance (1 of 4 stars; one submission).

Conditions:
Neuronopathy, distal hereditary motor, autosomal recessive 4. Also called: Autosomal recessive lower motor neuron disease with childhood onset; NEUROPATHY, DISTAL HEREDITARY MOTOR, AUTOSOMAL RECESSIVE 4. Identifiers: Orphanet 206580, MedGen C1970211, MONDO:0012608, OMIM 611067.
Charcot-Marie-Tooth disease recessive intermediate C. Also called: CHARCOT-MARIE-TOOTH NEUROPATHY, RECESSIVE INTERMEDIATE C. Identifiers: Orphanet 369867, MedGen C3809309, MONDO:0014154, OMIM 615376.

gnomAD v4.1: 5 of 1,613,568 alleles (0.00031%); highest among the groups gnomAD compares: Non-Finnish European, 0.00034%; no homozygotes.

Submission:

Labcorp Genetics (formerly Invitae), Labcorp
Classification: Uncertain significance for Neuronopathy, distal hereditary motor, autosomal recessive 4; Charcot-Marie-Tooth disease recessive intermediate C. Last evaluated: 2018-04-26. Review status: criteria provided, single submitter. Criteria: Invitae Variant Classification Sherloc (09022015). Collection method: clinical testing. Allele origin: germline.
Comment: In summary, the available evidence is currently insufficient to determine the role of this variant in disease. Therefore, it has been classified as a Variant of Uncertain Significance. Algorithms developed to predict the effect of missense changes on protein structure and function do not agree on the potential impact of this missense change (SIFT: "Tolerated"; PolyPhen-2: "Probably Damaging"; Align-GVGD: "Class C0"). This variant has not been reported in the literature in individuals with PLEKHG5-related disease. This variant is not present in population databases (ExAC no frequency). This sequence change replaces valine with leucine at codon 103 of the PLEKHG5 protein (p.Val103Leu). The valine residue is moderately conserved and there is a small physicochemical difference between valine and leucine.

NM_020631.6(PLEKHG5):c.307G>T (p.Val103Leu)

Gene: PLEKHG5 (pleckstrin homology and RhoGEF domain containing G5; minus strand). Cytogenetic location: 1p36.31.
Variant type: single nucleotide variant.
Coding change: c.307G>T on transcript NM_020631.6 (MANE Select); coding-DNA position 307, G replaced by T.
Protein change: p.Val103Leu; replaces valine 103 with leucine.
Molecular consequence: missense variant.
Genome position (GRCh38, 1-based): chr1:6,474,583, C>A on the plus strand (G>T on the coding strand, the complement: PLEKHG5 is on the minus strand). VCF-style: chr1-6474583-C-A. GRCh37 (hg19) VCF-style: chr1-6534643-C-A.
Other names: c.418G>T, p.Val140Leu (NM_001042663.3, NM_001265592.2); c.307G>T, p.Val103Leu (NM_001042664.2, NM_001042665.2, NM_001265594.3 and 1 more transcripts); c.514G>T, p.Val172Leu (NM_001265593.2); short protein forms V103L, V172L, V140L.
Identifiers: ClinVar variation 581341 (VCV000581341.9), dbSNP rs141032388, ClinGen allele CA338139645.
Genomic context (GRCh38, chr1:6,474,583, plus strand): 5'-CCAGGTAGATGTCCACTTTGCCCAGCGCAATGCCCTTCCTTTCAAATACAGGCAGCAGCA[C>A]CTCCCTGCCCCCAGGACAGGAGGCATGTGTGTTAGAACCAGGCGGCCAGTCGCTTCAGCT-3'
Protein context (NP_065682.2, residues 93-113): PAMKKKSLGE[Val103Leu]LLPVFERKGI